The following is an entry in ClinVar:

ClinVar aggregate classification (germline): Uncertain significance (1 of 4 stars; one submission).

Conditions:
Majeed syndrome (MJDS). Also called: CHRONIC RECURRENT MULTIFOCAL OSTEOMYELITIS 1, WITH CONGENITAL DYSERYTHROPOIETIC ANEMIA, WITH OR WITHOUT NEUTROPHILIC DERMATOSIS; LPIN2-Related Majeed Syndrome. Identifiers: Orphanet 77297, MedGen C1864997, MONDO:0012316, OMIM 609628.

Allele frequency attached by ClinVar (database versions not stated): gnomAD exomes below 0.00001.
gnomAD v4.1: 1 of 1,613,128 alleles (0.000062%); highest among the groups gnomAD compares: Non-Finnish European, 0.000085%; no homozygotes.

Submission:

Labcorp Genetics (formerly Invitae), Labcorp
Classification: Uncertain significance for Majeed syndrome. Last evaluated: 2020-06-10. Review status: criteria provided, single submitter. Criteria: Invitae Variant Classification Sherloc (09022015). Collection method: clinical testing. Allele origin: germline.
Comment: In summary, the available evidence is currently insufficient to determine the role of this variant in disease. Therefore, it has been classified as a Variant of Uncertain Significance. Algorithms developed to predict the effect of missense changes on protein structure and function (SIFT, PolyPhen-2, Align-GVGD) all suggest that this variant is likely to be tolerated, but these predictions have not been confirmed by published functional studies and their clinical significance is uncertain. This variant has not been reported in the literature in individuals with LPIN2-related conditions. This variant is not present in population databases (ExAC no frequency). This sequence change replaces threonine with alanine at codon 820 of the LPIN2 protein (p.Thr820Ala). The threonine residue is weakly conserved and there is a small physicochemical difference between threonine and alanine.

NM_001375808.2(LPIN2):c.2458A>G (p.Thr820Ala)

Gene: LPIN2 (lipin 2; minus strand). Cytogenetic location: 18p11.31.
Variant type: single nucleotide variant.
Coding change: c.2458A>G on transcript NM_001375808.2 (MANE Select); coding-DNA position 2458, A replaced by G.
Protein change: p.Thr820Ala; replaces threonine 820 with alanine.
Molecular consequence: missense variant.
Genome position (GRCh38, 1-based): chr18:2,920,866, T>C on the plus strand (A>G on the coding strand, the complement: LPIN2 is on the minus strand). VCF-style: chr18-2920866-T-C. GRCh37 (hg19) VCF-style: chr18-2920864-T-C.
Other names: c.2458A>G, p.Thr820Ala (NM_001375809.1, NM_014646.2); short protein forms T820A.
Identifiers: ClinVar variation 1011915 (VCV001011915.9), dbSNP rs2077043149, ClinGen allele CA401694203.
Genomic context (GRCh38, chr18:2,920,866, plus strand): 5'-GTATTAATTCACCCTTGGGGTTCACGGTGAATATTCTACAGTCTGGAACTCCAACTTGTG[T>C]GTAGGCATAGACATCCTGCAGAAGAAAATAGCAAGCGGGTGATTCCAGGGAGGAGAATTC-3'
Protein context (NP_001362737.1, residues 810-830): GNRPNDVYAY[Thr820Ala]QVGVPDCRIF